The following is an entry in ClinVar:

ClinVar aggregate classification (germline): Likely benign (3 of 4 stars; one submission).

Conditions:
Breast-ovarian cancer, familial, susceptibility to, 1 (BROVCA1). Also called: BRCA1 Hereditary Breast and Ovarian Cancer; OVARIAN CANCER, SUSCEPTIBILITY TO. Identifiers: Orphanet 145, MedGen C2676676, MONDO:0011450, OMIM 604370. Disease mechanism: loss of function.

Allele frequency attached by ClinVar (database versions not stated): gnomAD exomes below 0.00001; ExAC 0.00001.
gnomAD v4.1: 1 of 1,613,458 alleles (0.000062%); highest among the groups gnomAD compares: Non-Finnish European, 0.000085%; no homozygotes.

Submissions (2):

Evidence-based Network for the Interpretation of Germline Mutant Alleles (ENIGMA)
Classification: Likely benign for Breast-ovarian cancer, familial, susceptibility to, 1. Last evaluated: 2017-06-29. Review status: reviewed by expert panel. Criteria: ENIGMA BRCA1/2 Classification Criteria (2017-06-29). Collection method: curation. Allele origin: germline.
Comment: Synonymous substitution variant, with low bioinformatic likelihood to result in a splicing aberration (Splicing prior probability 0.02).

Brotman Baty Institute, University of Washington
No classification provided (evidence only). Condition: Breast-ovarian cancer, familial 1. Review status: no classification provided. Collection method: in vitro. Allele origin: not applicable. Functional consequence: functionally_normal. Not counted in ClinVar's aggregate classification.
ClinVar note: "not provided" was previously submitted as the classification for the variant. However, the classification appeared to be based only on an observation of functional data so it was converted to no classification on 2025-07-30.

NM_007294.4(BRCA1):c.5010A>G (p.Arg1670=)

Gene: BRCA1 (BRCA1 DNA repair associated; minus strand). Cytogenetic location: 17q21.31.
Variant type: single nucleotide variant.
Coding change: c.5010A>G on transcript NM_007294.4 (MANE Select); coding-DNA position 5010, A replaced by G.
Protein change: p.Arg1670=; no amino-acid change (arginine 1670 retained).
Molecular consequence: synonymous variant. On other transcripts: intron variant (1).
Genome position (GRCh38, 1-based): chr17:43,067,672, T>C on the plus strand (A>G on the coding strand, the complement: BRCA1 is on the minus strand). VCF-style: chr17-43067672-T-C. GRCh37 (hg19) VCF-style: chr17-41219689-T-C.
Other names: c.1557A>G, p.Arg519= (NM_001408458.1, NM_001408459.1, NM_001408460.1 and 7 more transcripts); c.1554A>G, p.Arg518= (NM_001408468.1, NM_001408469.1, NM_001408470.1); c.1698A>G, p.Arg566= (NM_001408472.1, NM_007298.4, NM_007299.4 and 13 more transcripts); c.1695A>G, p.Arg565= (NM_001408473.1, NM_001408392.1, NM_001408396.1 and 8 more transcripts); c.1500A>G, p.Arg500= (NM_001408474.1); c.1497A>G, p.Arg499= (NM_001408475.1, NM_001408476.1); c.1491A>G, p.Arg497= (NM_001408478.1, NM_001408479.1, NM_001408480.1); c.1488A>G, p.Arg496= (NM_001408481.1, NM_001408482.1, NM_001408483.1 and 5 more transcripts); and 71 more.
Identifiers: ClinVar variation 427336 (VCV000427336.6), dbSNP rs777828258, ClinGen allele CA053689.